The following is an entry in ClinVar:

ClinVar aggregate classification (germline): Pathogenic. Review status: criteria provided, single submitter (1 of 4 stars). 2 submissions from 2 submitters: Pathogenic (1). 1 of the submissions does not count toward it. Last evaluated 2024-07-05.

Conditions:
Complement hyperactivation-angiopathic thrombosis-protein-losing enteropathy syndrome. Also called: COMPLEMENT HYPERACTIVATION, ANGIOPATHIC THROMBOSIS, AND PROTEIN-LOSING ENTEROPATHY. Identifiers: Orphanet 566175, MedGen C4538570, MONDO:0009174, OMIM 226300.

Submissions (2):

Aleixo Muise Laboratory, Hospital For Sick Children
Classification: Pathogenic for Complement hyperactivation-angiopathic thrombosis-protein-losing enteropathy syndrome. Last evaluated: 2024-07-05. Review status: criteria provided, single submitter. Criteria: ACMG Guidelines, 2015. Collection method: research. Allele origin: germline. Affected: yes. Observed: 1 variant allele.
Comment: PS1;PM2;PM3;PP3;PP4

OMIM
Classification: Pathogenic for COMPLEMENT HYPERACTIVATION, ANGIOPATHIC THROMBOSIS, AND PROTEIN-LOSING ENTEROPATHY. Last evaluated: 2017-08-11. Review status: no assertion criteria provided. Collection method: literature only. Allele origin: germline. Not counted in ClinVar's aggregate classification.

Literature cited by the submitters: PubMed 28657829 (cited by OMIM).

NM_000574.5(CD55):c.800G>C (p.Cys267Ser)

Gene: CD55 (CD55 molecule (Cromer blood group); plus strand). Cytogenetic location: 1q32.2.
Variant type: single nucleotide variant.
Coding change: c.800G>C on transcript NM_000574.5 (MANE Select); coding-DNA position 800, G replaced by C.
Protein change: p.Cys267Ser; replaces cysteine 267 with serine.
Molecular consequence: missense variant. On other transcripts: non-coding transcript variant (1).
Genome position (GRCh38, 1-based): chr1:207,331,243, G>C. VCF-style: chr1-207331243-G-C. GRCh37 (hg19) VCF-style: chr1-207504588-G-C.
Other names: c.800G>C, p.Cys267Ser (NM_001114752.3, NM_001300902.2, NM_001300903.2 and 1 more transcripts); short protein forms C267S.
Identifiers: ClinVar variation 431762 (VCV000431762.2), dbSNP rs1135402917, ClinGen allele CA344518053.